The following is an entry in ClinVar:

ClinVar aggregate classification (germline): Uncertain significance (1 of 4 stars; one submission).

gnomAD v4.1: 25 of 1,613,606 alleles (0.0015%); highest among the groups gnomAD compares: Non-Finnish European, 0.002%; no homozygotes.

Submission:

Mayo Clinic Laboratories, Mayo Clinic
Classification: Uncertain significance. Last evaluated: 2025-11-02. Review status: criteria provided, single submitter. Criteria: ACMG Guidelines, 2015. Collection method: clinical testing. Allele origin: germline. Observed: 1 variant allele.
Comment: BP4

NM_001103146.3(GIGYF2):c.3719A>C (p.His1240Pro)

Gene: GIGYF2 (GRB10 interacting GYF protein 2; plus strand). Cytogenetic location: 2q37.1.
Variant type: single nucleotide variant.
Coding change: c.3719A>C on transcript NM_001103146.3 (MANE Select); coding-DNA position 3719, A replaced by C.
Protein change: p.His1240Pro; replaces histidine 1240 with proline.
Molecular consequence: missense variant. On other transcripts: non-coding transcript variant (1).
Genome position (GRCh38, 1-based): chr2:232,850,296, A>C. VCF-style: chr2-232850296-A-C. GRCh37 (hg19) VCF-style: chr2-233715006-A-C.
Other names: p.His1240Pro; c.3782A>C, p.His1261Pro (NM_001103147.2); c.3701A>C, p.His1234Pro (NM_001103148.2); c.3719A>C, p.His1240Pro (NM_015575.4); short protein forms H1240P, H1261P, H1234P.
Identifiers: ClinVar variation 4540826 (VCV004540826.1).